The following is an entry in ClinVar:

ClinVar aggregate classification (germline): Benign/Likely benign. Review status: criteria provided, multiple submitters, no conflicts (2 of 4 stars). 9 submissions from 9 submitters: Benign (6); Likely benign (3). Last evaluated 2026-09-01.

Conditions:
Fanconi anemia (FA). Also called: Fanconi's anemia. Identifiers: Orphanet 84, MedGen C0015625, MeSH D005199, MONDO:0019391.
Fanconi anemia complementation group F. Also called: FANCF-Related Fanconi Anemia. Identifiers: Orphanet 84, MedGen C3469526, MONDO:0011325, OMIM 603467.

Allele frequency attached by ClinVar (database versions not stated): 1000 Genomes Project 30x 0.00297; 1000 Genomes Project 0.00319; TOPMed 0.00642; gnomAD exomes 0.00706 and 0.00953; ESP Exome Variant Server 0.00709; gnomAD 0.00733 and 0.00759; ExAC 0.00737.
gnomAD v4.1: 14,958 of 1,614,150 alleles (0.93%); highest among the groups gnomAD compares: Non-Finnish European, 1.1%; 88 homozygotes.

Submissions (9):

CeGaT Center for Human Genetics Tuebingen
Classification: Benign. Last evaluated: 2026-09-01. Review status: criteria provided, single submitter. Criteria: CeGaT Center For Human Genetics Tuebingen Variant Classification Criteria Version 2. Collection method: clinical testing. Allele origin: germline. Affected: yes. Observed: 68 variant alleles.
Comment: FANCF: BP4, BP7, BS1, BS2

Labcorp Genetics (formerly Invitae), Labcorp
Classification: Benign for Fanconi anemia. Last evaluated: 2026-02-02. Review status: criteria provided, single submitter. Criteria: Invitae Variant Classification Sherloc (09022015). Collection method: clinical testing. Allele origin: germline.

ARUP Laboratories, Molecular Genetics and Genomics, ARUP Laboratories
Classification: Benign for Fanconi anemia complementation group F. Last evaluated: 2024-09-30. Review status: criteria provided, single submitter. Criteria: ARUP Molecular Germline Variant Investigation Process 2024. Collection method: clinical testing. Allele origin: germline.

Women's Health and Genetics/Laboratory Corporation of America, LabCorp
Classification: Benign. Last evaluated: 2022-05-03. Review status: criteria provided, single submitter. Criteria: LabCorp Variant Classification Summary - May 2015. Collection method: clinical testing. Allele origin: germline.

GeneDx
Classification: Likely benign. Last evaluated: 2021-06-02. Review status: criteria provided, single submitter. Criteria: GeneDx Variant Classification Process June 2021. Collection method: clinical testing. Allele origin: germline. Affected: yes.

Genetic Services Laboratory, University of Chicago
Classification: Benign. Last evaluated: 2018-12-27. Review status: criteria provided, single submitter. Criteria: ACMG Guidelines, 2015. Collection method: clinical testing. Allele origin: germline. Affected: no.

Illumina Laboratory Services, Illumina
Classification: Likely benign for Fanconi anemia complementation group F. Last evaluated: 2018-01-13. Review status: criteria provided, single submitter. Criteria: ICSL Variant Classification Criteria 13 December 2019. Collection method: clinical testing. Allele origin: germline.
Comment: This variant was observed in the ICSL laboratory as part of a predisposition screen in an ostensibly healthy population. It had not been previously curated by ICSL or reported in the Human Gene Mutation Database (HGMD: prior to June 1st, 2018), and was therefore a candidate for classification through an automated scoring system. Utilizing variant allele frequency, disease prevalence and penetrance estimates, and inheritance mode, an automated score was calculated to assess if this variant is too frequent to cause the disease. Based on the score and internal cut-off values, a variant classified as likely benign is not then subjected to further curation. The score for this variant resulted in a classification of likely benign for this disease.

Breakthrough Genomics
Classification: Likely benign. Review status: criteria provided, single submitter. Criteria: ACMG Guidelines, 2015. Collection method: not provided. Allele origin: germline. Inheritance: Autosomal recessive inheritance. Affected: yes.

PreventionGenetics, part of Exact Sciences
Classification: Benign. Review status: criteria provided, single submitter. Criteria: ACMG Guidelines, 2015. Collection method: clinical testing. Allele origin: germline.

NM_022725.4(FANCF):c.387C>T (p.Leu129=)

Gene: FANCF (FA complementation group F; minus strand). Cytogenetic location: 11p14.3.
Variant type: single nucleotide variant.
Coding change: c.387C>T on transcript NM_022725.4 (MANE Select); coding-DNA position 387, C replaced by T.
Protein change: p.Leu129=; no amino-acid change (leucine 129 retained).
Molecular consequence: synonymous variant.
Genome position (GRCh38, 1-based): chr11:22,625,424, G>A on the plus strand (C>T on the coding strand, the complement: FANCF is on the minus strand). VCF-style: chr11-22625424-G-A. GRCh37 (hg19) VCF-style: chr11-22646970-G-A.
Identifiers: ClinVar variation 241440 (VCV000241440.57), dbSNP rs45556032, ClinGen allele CA5924349.